The following is an entry in ClinVar:

ClinVar aggregate classification (germline): Uncertain significance. Review status: criteria provided, multiple submitters, no conflicts (2 of 4 stars). 2 submissions from 2 submitters: Uncertain significance (2). Last evaluated 2024-11-11.

Conditions:
Early-infantile DEE. Also called: Ohtahara syndrome; Early infantile epileptic encephalopathy; Early infantile epileptic encephalopathy with suppression bursts. Identifiers: Orphanet 1934, MedGen C0393706, MONDO:0800491.
Moderate intellectual disability. Also called: Moderae intellectual disability; Moderate ID. Identifiers: MedGen C0026351, HP:0002342.

Submissions (2):

Labcorp Genetics (formerly Invitae), Labcorp
Classification: Uncertain significance for Early-infantile DEE. Last evaluated: 2024-11-11. Review status: criteria provided, single submitter. Criteria: Invitae Variant Classification Sherloc (09022015). Collection method: clinical testing. Allele origin: germline.
Comment: This sequence change replaces alanine, which is neutral and non-polar, with threonine, which is neutral and polar, at codon 855 of the SCN8A protein (p.Ala855Thr). This variant is not present in population databases (gnomAD no frequency). This variant has not been reported in the literature in individuals affected with SCN8A-related conditions. ClinVar contains an entry for this variant (Variation ID: 523504). Invitae Evidence Modeling of protein sequence and biophysical properties (such as structural, functional, and spatial information, amino acid conservation, physicochemical variation, residue mobility, and thermodynamic stability) indicates that this missense variant is expected to disrupt SCN8A protein function with a positive predictive value of 95%. In summary, the available evidence is currently insufficient to determine the role of this variant in disease. Therefore, it has been classified as a Variant of Uncertain Significance.

Centre for Mendelian Genomics, University Medical Centre Ljubljana
Classification: Uncertain significance for Moderate intellectual disability. Last evaluated: 2017-01-01. Review status: criteria provided, single submitter. Criteria: ACMG Guidelines, 2015. Collection method: clinical testing. Allele origin: unknown. Affected: yes.

NM_001330260.2(SCN8A):c.2563G>A (p.Ala855Thr)

Gene: SCN8A (sodium voltage-gated channel alpha subunit 8; plus strand). Cytogenetic location: 12q13.13.
Variant type: single nucleotide variant.
Coding change: c.2563G>A on transcript NM_001330260.2 (MANE Select); coding-DNA position 2563, G replaced by A.
Protein change: p.Ala855Thr; replaces alanine 855 with threonine.
Molecular consequence: missense variant.
Genome position (GRCh38, 1-based): chr12:51,765,689, G>A. VCF-style: chr12-51765689-G-A. GRCh37 (hg19) VCF-style: chr12-52159473-G-A.
Other names: c.2563G>A, p.Ala855Thr (NM_001177984.3, NM_001369788.1, NM_014191.4); short protein forms A855T.
Identifiers: ClinVar variation 523504 (VCV000523504.6), dbSNP rs1555225784, ClinGen allele CA384886683.